The following is an entry in ClinVar:

NM_001302998.2(LIPI):c.46+3896A>C

Gene: LIPI (lipase I; minus strand). Cytogenetic location: 21q11.2.
Variant type: single nucleotide variant.
Coding change: c.46+3896A>C on transcript NM_001302998.2 (MANE Select); 3896 bases into the intron after coding-DNA position 46, A replaced by C.
Molecular consequence: intron variant. On other transcripts: 5 prime UTR variant (1).
Genome position (GRCh38, 1-based): chr21:14,206,904, T>G on the plus strand (A>C on the coding strand, the complement: LIPI is on the minus strand). VCF-style: chr21-14206904-T-G. GRCh37 (hg19) VCF-style: chr21-15579225-T-G.
Other names: c.-179A>C (NM_198996.4); c.46+3896A>C (NM_001379566.1, NM_001302999.2, NM_001379565.1 and 2 more transcripts).
Identifiers: ClinVar variation 1495117 (VCV001495117.8), dbSNP rs773619059, ClinGen allele CA409824510.

ClinVar aggregate classification (germline): Uncertain significance (1 of 4 stars; one submission).

Allele frequency attached by ClinVar (database versions not stated): TOPMed below 0.00001.
gnomAD v4.1: 8 of 1,609,690 alleles (0.0005%); highest among the groups gnomAD compares: Non-Finnish European, 0.00068%; no homozygotes.

Submission:

Labcorp Genetics (formerly Invitae), Labcorp
Classification: Uncertain significance. Last evaluated: 2021-06-17. Review status: criteria provided, single submitter. Criteria: Invitae Variant Classification Sherloc (09022015). Collection method: clinical testing. Allele origin: germline.
Comment: This sequence change replaces histidine with proline at codon 7 of the LIPI protein (p.His7Pro). The histidine residue is weakly conserved and there is a moderate physicochemical difference between histidine and proline. In summary, the available evidence is currently insufficient to determine the role of this variant in disease. Therefore, it has been classified as a Variant of Uncertain Significance. Algorithms developed to predict the effect of missense changes on protein structure and function (SIFT, PolyPhen-2, Align-GVGD) all suggest that this variant is likely to be tolerated, but these predictions have not been confirmed by published functional studies and their clinical significance is uncertain. This variant has not been reported in the literature in individuals with LIPI-related conditions. This variant is not present in population databases (ExAC no frequency).